The following is an entry in ClinVar:

ClinVar aggregate classification (germline): Uncertain significance (1 of 4 stars; one submission).

Allele frequency attached by ClinVar (database versions not stated): gnomAD exomes below 0.00001.
gnomAD v4.1: 1 of 1,564,314 alleles (0.000064%); highest among the groups gnomAD compares: Non-Finnish European, 0.000088%; no homozygotes.

Submission:

Ambry Genetics
Classification: Uncertain significance. Last evaluated: 2022-09-29. Review status: criteria provided, single submitter. Criteria: Ambry Variant Classification Scheme 2023. Collection method: clinical testing. Allele origin: germline.
Comment: The c.1532+1G>A intronic variant results from a G to A substitution one nucleotide after coding exon 15 of the KIF1B gene. This nucleotide position is highly conserved in available vertebrate species. In silico splice site analysis predicts that this alteration will weaken the native splice donor site. The evidence for this gene-disease relationship is limited; therefore, the clinical significance of this alteration is unclear.

NM_001365951.3(KIF1B):c.1670+1G>A

Gene: KIF1B (kinesin family member 1B; plus strand). Cytogenetic location: 1p36.22.
Variant type: single nucleotide variant.
Coding change: c.1670+1G>A on transcript NM_001365951.3 (MANE Select); the canonical splice donor site of the intron after coding-DNA position 1670, G replaced by A.
Molecular consequence: splice donor variant.
Genome position (GRCh38, 1-based): chr1:10,295,166, G>A. VCF-style: chr1-10295166-G-A. GRCh37 (hg19) VCF-style: chr1-10355224-G-A.
Other names: c.1532+1G>A (NM_183416.4, NM_015074.3, NM_001365953.1); c.1670+1G>A (NM_001365952.1).
Identifiers: ClinVar variation 1774647 (VCV001774647.2), dbSNP rs2521385061, ClinGen allele CA338314631.